The following is an entry in ClinVar:

ClinVar aggregate classification (germline): Pathogenic (1 of 4 stars; one submission).

Submission:

Labcorp Genetics (formerly Invitae), Labcorp
Classification: Pathogenic. Last evaluated: 2021-06-13. Review status: criteria provided, single submitter. Criteria: Invitae Variant Classification Sherloc (09022015). Collection method: clinical testing. Allele origin: germline.
Comment: A gross deletion of the genomic region encompassing the full coding sequence of the CNGA1 gene has been identified. Loss-of-function variants in CNGA1 are known to be pathogenic (PMID: 7479749, 25268133). The boundaries of this event are unknown as they extend beyond the assayed region for this gene and therefore may encompass additional genes. This variant has not been reported in the literature in individuals with CNGA1-related conditions. For these reasons, this variant has been classified as Pathogenic.

Literature cited by the submitters: PubMed 7479749; PubMed 25268133.

NC_000004.11:g.(?_47938438)_(47954718_?)del

Gene: CNGA1 (cyclic nucleotide gated channel subunit alpha 1; minus strand). Cytogenetic location: 4p12.
Variant type: Deletion.
Identifiers: ClinVar variation 1459512 (VCV001459512.4).